The following is an entry in ClinVar:

NM_001039.4(SCNN1G):c.*1198A>T

Gene: SCNN1G (sodium channel epithelial 1 subunit gamma; plus strand). Cytogenetic location: 16p12.2.
Variant type: single nucleotide variant.
Coding change: c.*1198A>T on transcript NM_001039.4 (MANE Select); 1198 bases downstream of the stop codon, A replaced by T.
Molecular consequence: 3 prime UTR variant.
Genome position (GRCh38, 1-based): chr16:23,216,667, A>T. VCF-style: chr16-23216667-A-T. GRCh37 (hg19) VCF-style: chr16-23227988-A-T.
Identifiers: ClinVar variation 318378 (VCV000318378.5), dbSNP rs72647547, ClinGen allele CA10637360.
Genomic context (GRCh38, chr16:23,216,667, plus strand): 5'-CATGAACTAAGAATTTTATTTTATTTTATTTTTTATTTTTTGTAGAAATAGGATCTCACT[A>T]TGTTGCCCAGGCTGTTCTTGAACTCCTGGCCTCAAATGATCTTCCCACTTCAGCCTCCCA-3'

ClinVar aggregate classification (germline): Benign/Likely benign. Review status: criteria provided, single submitter (1 of 4 stars). 2 submissions from 1 submitter: Benign (1); Likely benign (1). Last evaluated 2018-01-12.

Conditions:
Liddle syndrome 2. Identifiers: MedGen C4748251, MONDO:0020854, OMIM 618114.
Pseudohypoaldosteronism, type IB1, autosomal recessive. Also called: Pseudohypoaldosteronism, Type I, Autosomal Recessive; PHA I, AUTOSOMAL RECESSIVE; Pseudohypoaldosteronism, Type I, Recessive; Autosomal recessive pseudohypoaldosteronism type 1. Identifiers: Orphanet 171876, Orphanet 756, MedGen C5774176, MONDO:0009917, OMIM 264350.

Allele frequency attached by ClinVar (database versions not stated): 1000 Genomes Project 0.00140; 1000 Genomes Project 30x 0.00187; gnomAD 0.00364.

Submissions (2):

Illumina Laboratory Services, Illumina
Classification: Benign for Liddle syndrome 2. Last evaluated: 2018-01-12. Review status: criteria provided, single submitter. Criteria: ICSL Variant Classification Criteria 13 December 2019. Collection method: clinical testing. Allele origin: germline.
Comment: This variant was observed in the ICSL laboratory as part of a predisposition screen in an ostensibly healthy population. It had not been previously curated by ICSL or reported in the Human Gene Mutation Database (HGMD: prior to June 1st, 2018), and was therefore a candidate for classification through an automated scoring system. Utilizing variant allele frequency, disease prevalence and penetrance estimates, and inheritance mode, an automated score was calculated to assess if this variant is too frequent to cause the disease. Based on the score and internal cut-off values, a variant classified as benign is not then subjected to further curation. The score for this variant resulted in a classification of benign for this disease.

Illumina Laboratory Services, Illumina
Classification: Likely benign for Pseudohypoaldosteronism, type IB1, autosomal recessive. Last evaluated: 2018-01-12. Review status: criteria provided, single submitter. Criteria: ICSL Variant Classification Criteria 13 December 2019. Collection method: clinical testing. Allele origin: germline.
Comment: This variant was observed in the ICSL laboratory as part of a predisposition screen in an ostensibly healthy population. It had not been previously curated by ICSL or reported in the Human Gene Mutation Database (HGMD: prior to June 1st, 2018), and was therefore a candidate for classification through an automated scoring system. Utilizing variant allele frequency, disease prevalence and penetrance estimates, and inheritance mode, an automated score was calculated to assess if this variant is too frequent to cause the disease. Based on the score and internal cut-off values, a variant classified as likely benign is not then subjected to further curation. The score for this variant resulted in a classification of likely benign for this disease.